The following is an entry in ClinVar:

NM_006080.3(SEMA3A):c.271A>G (p.Ile91Val)

Gene: SEMA3A (semaphorin 3A; minus strand). Cytogenetic location: 7q21.11.
Variant type: single nucleotide variant.
Coding change: c.271A>G on transcript NM_006080.3 (MANE Select); coding-DNA position 271, A replaced by G.
Protein change: p.Ile91Val; replaces isoleucine 91 with valine.
Molecular consequence: missense variant.
Genome position (GRCh38, 1-based): chr7:84,129,185, T>C on the plus strand (A>G on the coding strand, the complement: SEMA3A is on the minus strand). VCF-style: chr7-84129185-T-C. GRCh37 (hg19) VCF-style: chr7-83758501-T-C.
Other names: short protein forms I91V.
Identifiers: ClinVar variation 3351548 (VCV003351548.1).

ClinVar aggregate classification (germline): Uncertain significance (0 of 4 stars; one submission).

Conditions:
SEMA3A-related disorder. Also called: SEMA3A-related condition.

gnomAD v4.1: 11 of 1,611,772 alleles (0.00068%); highest among the groups gnomAD compares: Admixed American, 0.013%; no homozygotes.

Submission:

PreventionGenetics, part of Exact Sciences
Classification: Uncertain significance for SEMA3A-related condition. Last evaluated: 2024-05-29. Review status: no assertion criteria provided. Collection method: clinical testing. Allele origin: germline.
Comment: The SEMA3A c.271A>G variant is predicted to result in the amino acid substitution p.Ile91Val. To our knowledge, this variant has not been reported in the literature. This variant is reported in 0.0087% of alleles in individuals of Latino descent in gnomAD. At this time, the clinical significance of this variant is uncertain due to the absence of conclusive functional and genetic evidence.